The following is an entry in ClinVar:

ClinVar aggregate classification (germline): Likely benign. Review status: criteria provided, multiple submitters, no conflicts (2 of 4 stars). 2 submissions from 2 submitters: Likely benign (2). Last evaluated 2025-12-14.

gnomAD v4.1: 5 of 1,611,708 alleles (0.00031%); highest among the groups gnomAD compares: Non-Finnish European, 0.00042%; no homozygotes.

Submissions (2):

Labcorp Genetics (formerly Invitae), Labcorp
Classification: Likely benign. Last evaluated: 2025-12-14. Review status: criteria provided, single submitter. Criteria: Invitae Variant Classification Sherloc (09022015). Collection method: clinical testing. Allele origin: germline.

CeGaT Center for Human Genetics Tuebingen
Classification: Likely benign. Last evaluated: 2022-03-01. Review status: criteria provided, single submitter. Criteria: CeGaT Center For Human Genetics Tuebingen Variant Classification Criteria Version 2. Collection method: clinical testing. Allele origin: germline. Affected: yes. Observed: 1 variant allele.
Comment: CNGA1: BP4, BP7

NM_001379270.1(CNGA1):c.672G>T (p.Leu224=)

Genes: CNGA1 (cyclic nucleotide gated channel subunit alpha 1; minus strand), LOC101927157 (uncharacterized LOC101927157; plus strand). Cytogenetic location: 4p12.
Variant type: single nucleotide variant.
Coding change: c.672G>T on transcript NM_001379270.1 (MANE Select); coding-DNA position 672, G replaced by T.
Protein change: p.Leu224=; no amino-acid change (leucine 224 retained).
Molecular consequence: synonymous variant.
Genome position (GRCh38, 1-based): chr4:47,937,810, C>A on the plus strand (G>T on the coding strand, the complement: CNGA1 is on the minus strand). VCF-style: chr4-47937810-C-A. GRCh37 (hg19) VCF-style: chr4-47939827-C-A.
Other names: c.672G>T, p.Leu224= (NM_000087.5, NM_001142564.2).
Identifiers: ClinVar variation 1939618 (VCV001939618.29), dbSNP rs149504668, ClinGen allele CA2911207.